The following is an entry in ClinVar:

ClinVar aggregate classification (germline): Benign/Likely benign. Review status: criteria provided, multiple submitters, no conflicts (2 of 4 stars). 3 submissions from 3 submitters: Benign (1); Likely benign (2). Last evaluated 2025-11-18.

Conditions:
Hereditary cancer-predisposing syndrome. Also called: Tumor predisposition; Hereditary Cancer Syndrome; Hereditary neoplastic syndrome; Neoplastic Syndromes, Hereditary. Identifiers: Orphanet 140162, MedGen C0027672, MeSH D009386, MONDO:0015356.
POLD1-related polyposis and colorectal cancer syndrome (CRCS10). Also called: Colorectal cancer 10; COLORECTAL CANCER, SUSCEPTIBILITY TO, ON CHROMOSOME 19q; Colorectal cancer, susceptibility to, 10. Identifiers: Orphanet 220460, MedGen C2675481, MONDO:0012953, OMIM 612591.

Allele frequency attached by ClinVar (database versions not stated): gnomAD 0.00001.
gnomAD v4.1: 1 of 1,609,690 alleles (0.000062%); highest among the groups gnomAD compares: Non-Finnish European, 0.000085%; no homozygotes.

Submissions (3):

Labcorp Genetics (formerly Invitae), Labcorp
Classification: Likely benign for POLD1-related polyposis and colorectal cancer syndrome. Last evaluated: 2025-11-18. Review status: criteria provided, single submitter. Criteria: Invitae Variant Classification Sherloc (09022015). Collection method: clinical testing. Allele origin: germline.

Myriad Genetics, Inc.
Classification: Benign for POLD1-related polyposis and colorectal cancer syndrome. Last evaluated: 2025-02-06. Review status: criteria provided, single submitter. Criteria: Myriad Autosomal Dominant, Autosomal Recessive and X-Linked Classification Criteria (2023). Collection method: clinical testing. Allele origin: unknown.
Comment: This variant is considered benign. This variant is a silent/synonymous amino acid change and it is not expected to impact splicing.

Ambry Genetics
Classification: Likely benign for Hereditary cancer-predisposing syndrome. Last evaluated: 2016-01-22. Review status: criteria provided, single submitter. Criteria: Ambry Variant Classification Scheme 2023. Collection method: clinical testing. Allele origin: germline.

NM_002691.4(POLD1):c.1527T>A (p.Ala509=)

Gene: POLD1 (DNA polymerase delta 1, catalytic subunit; plus strand). Cytogenetic location: 19q13.33.
Variant type: single nucleotide variant.
Coding change: c.1527T>A on transcript NM_002691.4 (MANE Select); coding-DNA position 1527, T replaced by A.
Protein change: p.Ala509=; no amino-acid change (alanine 509 retained).
Molecular consequence: synonymous variant. On other transcripts: non-coding transcript variant (1).
Genome position (GRCh38, 1-based): chr19:50,407,015, T>A. VCF-style: chr19-50407015-T-A. GRCh37 (hg19) VCF-style: chr19-50910272-T-A.
Other names: c.1527T>A, p.Ala509= (NM_001256849.1, NM_001308632.1).
Identifiers: ClinVar variation 484365 (VCV000484365.16), dbSNP rs1229053013, ClinGen allele CA508183967.